The following is an entry in ClinVar:

NM_001190787.3(MCIDAS):c.234C>T (p.Asp78=)

Gene: MCIDAS (multiciliate differentiation and DNA synthesis associated cell cycle protein; minus strand). Cytogenetic location: 5q11.2.
Variant type: single nucleotide variant.
Coding change: c.234C>T on transcript NM_001190787.3 (MANE Select); coding-DNA position 234, C replaced by T.
Protein change: p.Asp78=; no amino-acid change (aspartic acid 78 retained).
Molecular consequence: synonymous variant.
Genome position (GRCh38, 1-based): chr5:55,226,651, G>A on the plus strand (C>T on the coding strand, the complement: MCIDAS is on the minus strand). VCF-style: chr5-55226651-G-A. GRCh37 (hg19) VCF-style: chr5-54522479-G-A.
Other names: p.Asp78=.
Identifiers: ClinVar variation 238619 (VCV000238619.14), dbSNP rs756870581, ClinGen allele CA3266588.

ClinVar aggregate classification (germline): Likely benign. Review status: criteria provided, multiple submitters, no conflicts (2 of 4 stars). 4 submissions from 4 submitters: Likely benign (4). Last evaluated 2026-01-15.

Conditions:
Primary ciliary dyskinesia. Also called: Ciliary dyskinesia. Identifiers: Orphanet 244, MedGen C0008780, MONDO:0016575, HP:0012265.

Allele frequency attached by ClinVar (database versions not stated): gnomAD 0.00021; gnomAD exomes 0.00025 and 0.00037; TOPMed 0.00028; ExAC 0.00036.
gnomAD v4.1: 400 of 1,529,130 alleles (0.026%); highest among the groups gnomAD compares: Middle Eastern, 1.3%; 2 homozygotes.

Submissions (4):

Labcorp Genetics (formerly Invitae), Labcorp
Classification: Likely benign for Primary ciliary dyskinesia. Last evaluated: 2026-01-15. Review status: criteria provided, single submitter. Criteria: Invitae Variant Classification Sherloc (09022015). Collection method: clinical testing. Allele origin: germline.

Mayo Clinic Laboratories, Mayo Clinic
Classification: Likely benign. Last evaluated: 2025-01-15. Review status: criteria provided, single submitter. Criteria: ACMG Guidelines, 2015. Collection method: clinical testing. Allele origin: germline. Observed: 1 variant allele.
Comment: BP4, BP7

Blueprint Genetics
Classification: Likely benign. Last evaluated: 2024-11-26. Review status: criteria provided, single submitter. Criteria: ACMG Guidelines, 2015. Collection method: clinical testing. Allele origin: germline.

Breakthrough Genomics
Classification: Likely benign. Review status: criteria provided, single submitter. Criteria: ACMG Guidelines, 2015. Collection method: not provided. Allele origin: germline. Inheritance: Autosomal recessive inheritance. Affected: yes.